The following is an entry in ClinVar:

ClinVar aggregate classification (germline): Conflicting classifications of pathogenicity. Review status: criteria provided, conflicting classifications (1 of 4 stars). 3 submissions from 3 submitters: Uncertain significance (2); Likely benign (1). Last evaluated 2024-11-30.

Conditions:
Inborn genetic diseases. Identifiers: MedGen C0950123, MeSH D030342.
Baller-Gerold syndrome (BGS). Also called: CRANIOSYNOSTOSIS WITH RADIAL DEFECTS. Identifiers: Orphanet 1225, MedGen C0265308, MONDO:0009039, OMIM 218600.

Allele frequency attached by ClinVar (database versions not stated): gnomAD exomes below 0.00001; gnomAD 0.00002 and 0.00003; TOPMed 0.00002; ESP Exome Variant Server 0.00008.

Submissions (3):

Ambry Genetics
Classification: Likely benign for Inborn genetic diseases. Last evaluated: 2024-11-30. Review status: criteria provided, single submitter. Criteria: Ambry Variant Classification Scheme 2023. Collection method: clinical testing. Allele origin: germline.

GeneDx
Classification: Uncertain significance. Last evaluated: 2024-10-10. Review status: criteria provided, single submitter. Criteria: GeneDx Variant Classification Process June 2021. Collection method: clinical testing. Allele origin: germline. Affected: yes.
Comment: Not observed at significant frequency in large population cohorts (gnomAD); In silico analysis indicates that this missense variant does not alter protein structure/function; Has not been previously published as pathogenic or benign to our knowledge

Labcorp Genetics (formerly Invitae), Labcorp
Classification: Uncertain significance for Baller-Gerold syndrome. Last evaluated: 2023-07-26. Review status: criteria provided, single submitter. Criteria: Invitae Variant Classification Sherloc (09022015). Collection method: clinical testing. Allele origin: germline.
Comment: This sequence change replaces proline, which is neutral and non-polar, with leucine, which is neutral and non-polar, at codon 432 of the RECQL4 protein (p.Pro432Leu). In summary, the available evidence is currently insufficient to determine the role of this variant in disease. Therefore, it has been classified as a Variant of Uncertain Significance. Experimental studies and prediction algorithms are not available or were not evaluated, and the functional significance of this variant is currently unknown. ClinVar contains an entry for this variant (Variation ID: 1062497). This variant has not been reported in the literature in individuals affected with RECQL4-related conditions. This variant is present in population databases (rs368160954, gnomAD 0.01%).

NM_004260.4(RECQL4):c.1295C>T (p.Pro432Leu)

Gene: RECQL4 (RecQ like helicase 4; minus strand). Cytogenetic location: 8q24.3.
Variant type: single nucleotide variant.
Coding change: c.1295C>T on transcript NM_004260.4 (MANE Select); coding-DNA position 1295, C replaced by T.
Protein change: p.Pro432Leu; replaces proline 432 with leucine.
Molecular consequence: missense variant.
Genome position (GRCh38, 1-based): chr8:144,515,421, G>A on the plus strand (C>T on the coding strand, the complement: RECQL4 is on the minus strand). VCF-style: chr8-144515421-G-A. GRCh37 (hg19) VCF-style: chr8-145740805-G-A.
Other names: c.1295C>T (NM_004260.3); short protein forms P432L.
Identifiers: ClinVar variation 1062497 (VCV001062497.5), dbSNP rs368160954, ClinGen allele CA187687499.